The following is an entry in ClinVar:

ClinVar aggregate classification (germline): Likely benign. Review status: criteria provided, single submitter (1 of 4 stars). 2 submissions from 2 submitters: Likely benign (1). 1 of the submissions does not count toward it. Last evaluated 2018-02-26.

Allele frequency attached by ClinVar (database versions not stated): gnomAD exomes 0.00050; ExAC 0.00059; 1000 Genomes Project 0.00120; 1000 Genomes Project 30x 0.00172; gnomAD 0.00188 and 0.00203; TOPMed 0.00216; ESP Exome Variant Server 0.00231.
gnomAD v4.1: 566 of 1,614,006 alleles (0.035%); highest among the groups gnomAD compares: African/African-American, 0.69%; 5 homozygotes.

Submissions (2):

Labcorp Genetics (formerly Invitae), Labcorp
Classification: Likely benign. Last evaluated: 2018-02-26. Review status: criteria provided, single submitter. Criteria: Invitae Variant Classification Sherloc (09022015). Collection method: clinical testing. Allele origin: germline.

ITMI
No classification provided. Condition: AllHighlyPenetrant. Last evaluated: 2013-09-19. Review status: no classification provided. Collection method: reference population. Allele origin: germline. Not counted in ClinVar's aggregate classification.
Comment: Please see associated publication for description of ethnicities

Literature cited by the submitters: PubMed 24728327 (cited by ITMI).

NM_004119.3(FLT3):c.2918G>A (p.Arg973Gln)

Gene: FLT3 (fms related receptor tyrosine kinase 3; minus strand). Cytogenetic location: 13q12.2.
Variant type: single nucleotide variant.
Coding change: c.2918G>A on transcript NM_004119.3 (MANE Select); coding-DNA position 2918, G replaced by A.
Protein change: p.Arg973Gln; replaces arginine 973 with glutamine.
Molecular consequence: missense variant. On other transcripts: non-coding transcript variant (1).
Genome position (GRCh38, 1-based): chr13:28,004,116, C>T on the plus strand (G>A on the coding strand, the complement: FLT3 is on the minus strand). VCF-style: chr13-28004116-C-T. GRCh37 (hg19) VCF-style: chr13-28578253-C-T.
Other names: short protein forms R973Q.
Identifiers: ClinVar variation 134440 (VCV000134440.4), dbSNP rs144397269, ClinGen allele CA159825.